The following is an entry in ClinVar:

ClinVar aggregate classification (germline): Uncertain significance (1 of 4 stars; one submission).

Conditions:
Symmetrical dyschromatosis of extremities (DSH). Also called: DYSCHROMATOSIS SYMMETRICA HEREDITARIA 1; RETICULATE ACROPIGMENTATION OF DOHI; SYMMETRIC DYSCHROMATOSIS OF THE EXTREMITIES; Dyschromatosis symmetrica hereditaria. Identifiers: Orphanet 41, MedGen C0406775, MONDO:0007483, OMIM 127400.
Aicardi-Goutieres syndrome 6 (AGS6). Identifiers: Orphanet 51, MedGen C3539013, MONDO:0014007, OMIM 615010.

Submission:

Labcorp Genetics (formerly Invitae), Labcorp
Classification: Uncertain significance for Aicardi-Goutieres syndrome 6; Symmetrical dyschromatosis of extremities. Last evaluated: 2023-03-24. Review status: criteria provided, single submitter. Criteria: Invitae Variant Classification Sherloc (09022015). Collection method: clinical testing. Allele origin: germline.
Comment: This sequence change replaces methionine, which is neutral and non-polar, with isoleucine, which is neutral and non-polar, at codon 403 of the ADAR protein (p.Met403Ile). This variant is not present in population databases (gnomAD no frequency). This variant has not been reported in the literature in individuals affected with ADAR-related conditions. Advanced modeling of protein sequence and biophysical properties (such as structural, functional, and spatial information, amino acid conservation, physicochemical variation, residue mobility, and thermodynamic stability) performed at Invitae indicates that this missense variant is not expected to disrupt ADAR protein function. In summary, the available evidence is currently insufficient to determine the role of this variant in disease. Therefore, it has been classified as a Variant of Uncertain Significance.

NM_001111.5(ADAR):c.1209G>A (p.Met403Ile)

Gene: ADAR (adenosine deaminase RNA specific; minus strand). Cytogenetic location: 1q21.3.
Variant type: single nucleotide variant.
Coding change: c.1209G>A on transcript NM_001111.5 (MANE Select); coding-DNA position 1209, G replaced by A.
Protein change: p.Met403Ile; replaces methionine 403 with isoleucine.
Molecular consequence: missense variant.
Genome position (GRCh38, 1-based): chr1:154,601,433, C>T on the plus strand (G>A on the coding strand, the complement: ADAR is on the minus strand). VCF-style: chr1-154601433-C-T. GRCh37 (hg19) VCF-style: chr1-154573909-C-T.
Other names: c.324G>A, p.Met108Ile (NM_001025107.3, NM_001193495.2, NM_001365046.1 and 3 more transcripts); c.1236G>A, p.Met412Ile (NM_001365045.1); c.1209G>A, p.Met403Ile (NM_015840.4, NM_015841.4); short protein forms M108I, M403I, M412I.
Identifiers: ClinVar variation 2945737 (VCV002945737.3), dbSNP rs2526651290, ClinGen allele CA342597137.
Genomic context (GRCh38, chr1:154,601,433, plus strand): 5'-TTGCCTGTTTTCTAACTTTATGACAGGTTCCTGCCCATTCTCCACTTTTTCTGTGGTTAC[C>T]ATGTTATTTGAGGCATTTGATGTGGGTATATTACAGGTGAGGAACTCTGCGTTTCTTTTG-3'
Protein context (NP_001102.3, residues 393-413): NIPTSNASNN[Met403Ile]VTTEKVENGQ